The following is an entry in ClinVar:

NM_000548.5(TSC2):c.*6G>A

Gene: TSC2 (TSC complex subunit 2; plus strand). Cytogenetic location: 16p13.3.
Variant type: single nucleotide variant.
Coding change: c.*6G>A on transcript NM_000548.5 (MANE Select); 6 bases downstream of the stop codon, G replaced by A.
Molecular consequence: 3 prime UTR variant.
Genome position (GRCh38, 1-based): chr16:2,088,616, G>A. VCF-style: chr16-2088616-G-A. GRCh37 (hg19) VCF-style: chr16-2138617-G-A.
Other names: c.*6G>A (NM_001077183.3, NM_001114382.3, NM_001318827.2 and 7 more transcripts).
Identifiers: ClinVar variation 65017 (VCV000065017.3), dbSNP rs397515008, ClinGen allele CA022808.

ClinVar aggregate classification (germline): Benign. Review status: criteria provided, single submitter (1 of 4 stars). 2 submissions from 2 submitters: Benign (1). 1 of the submissions does not count toward it. Last evaluated 2025-06-09.

Conditions:
Tuberous sclerosis syndrome (TSC). Also called: Tuberous Sclerosis Complex; Tuberous sclerosis. Identifiers: Orphanet 805, MedGen C0041341, MONDO:0001734.
Tuberous sclerosis 2 (TSC2). Identifiers: Orphanet 805, MedGen C1860707, MONDO:0013199, OMIM 613254.

Submissions (2):

Myriad Genetics, Inc.
Classification: Benign for Tuberous sclerosis 2. Last evaluated: 2025-06-09. Review status: criteria provided, single submitter. Criteria: Myriad Autosomal Dominant, Autosomal Recessive and X-Linked Classification Criteria (2023). Collection method: clinical testing. Allele origin: unknown.
Comment: This variant is considered benign. This variant occurs in the non-coding 3' untranslated region of the gene, and is not expected to impact protein function.

Tuberous sclerosis database (TSC2)
No classification provided. Condition: TSC. Review status: no classification provided. Criteria: Tuberous Sclerosis Database Assertion Criteria 2015. Collection method: curation. Allele origin: germline. Affected: yes. Not counted in ClinVar's aggregate classification.